The following is an entry in ClinVar:

NM_000545.8(HNF1A):c.831C>G (p.Phe277Leu)

Gene: HNF1A (HNF1 homeobox A; plus strand). Cytogenetic location: 12q24.31.
Variant type: single nucleotide variant.
Coding change: c.831C>G on transcript NM_000545.8 (MANE Select); coding-DNA position 831, C replaced by G.
Protein change: p.Phe277Leu; replaces phenylalanine 277 with leucine.
Molecular consequence: missense variant.
Genome position (GRCh38, 1-based): chr12:120,994,281, C>G. VCF-style: chr12-120994281-C-G. GRCh37 (hg19) VCF-style: chr12-121432084-C-G.
Other names: c.831C>G, p.Phe277Leu (NM_001306179.2, NM_001406915.1); short protein forms F277L.
Identifiers: ClinVar variation 4882857 (VCV004882857.2).

ClinVar aggregate classification (germline): Uncertain significance (1 of 4 stars; one submission).

Submission:

Dasa
Classification: Uncertain significance. Last evaluated: 2025-06-19. Review status: criteria provided, single submitter. Criteria: DASA Assertion Criteria. Collection method: clinical testing. Allele origin: germline.
Comment: NM_000545.8(HNF1A):c.831C>G (p.Phe277Leu) is a missense variant that results in the substitution of phenylalanine with leucine. The affected residue or protein region has prior evidence supporting clinical relevance. This variant is absent from population databases. The currently available literature and clinical evidence are not sufficient to establish a definitive association between this variant and the reported condition. Therefore, this variant is classified as a variant of uncertain significance.